The following is an entry in ClinVar:

NM_000020.3(ACVRL1):c.1468C>T (p.Gln490Ter)

Gene: ACVRL1 (activin A receptor like type 1; plus strand). Cytogenetic location: 12q13.13.
Variant type: single nucleotide variant.
Coding change: c.1468C>T on transcript NM_000020.3 (MANE Select); coding-DNA position 1468, C replaced by T.
Protein change: p.Gln490Ter; replaces glutamine 490 with a stop codon.
Molecular consequence: nonsense.
Genome position (GRCh38, 1-based): chr12:51,920,849, C>T. VCF-style: chr12-51920849-C-T. GRCh37 (hg19) VCF-style: chr12-52314633-C-T.
Other names: p.Gln490*; NM_000020.3(ACVRL1):c.1468C>T; p.Gln490Ter; c.1468C>T, p.Gln490Ter (NM_001077401.2); short protein forms Q490*.
Identifiers: ClinVar variation 426040 (VCV000426040.9), dbSNP rs1085307429, ClinGen allele CA384906013.

ClinVar aggregate classification (germline): Pathogenic. Review status: reviewed by expert panel (3 of 4 stars). 8 submissions from 8 submitters: Pathogenic (1). 7 of the submissions do not count toward it. Last evaluated 2024-03-15.

Conditions:
Hereditary hemorrhagic telangiectasia (HHT). Also called: ORW DISEASE; Osler Weber Rendu syndrome; OSLER-RENDU-WEBER DISEASE; Osler hemorrhagic telangiectasia syndrome. Identifiers: Orphanet 774, MedGen C0039445, MONDO:0019180. Disease mechanism: loss of function.
Hereditary factor VIII deficiency disease (HEMA). Also called: HEMOPHILIA, CLASSIC; Hemophilia A, congenital; HEM A; Factor 8 deficiency, congenital; Hemophilia A; AUTOSOMAL HEMOPHILIA A. Identifiers: Orphanet 98878, MedGen C0019069, MONDO:0010602, OMIM 306700.
Cardiovascular phenotype. Identifiers: MedGen CN230736.
Telangiectasia, hereditary hemorrhagic, type 2 (HHT2). Also called: ACVRL1-Related Hereditary Hemorrhagic Telangiectasia; Telangiectasia, hereditary hemorrhagic, type II. Identifiers: Orphanet 774, MedGen C1838163, MONDO:0010880, OMIM 600376. Disease mechanism: loss of function.
Pulmonary arterial hypertension related to hereditary hemorrhagic telangiectasia. Also called: PULMONARY ARTERIAL HYPERTENSION, HEREDITARY HEMORRHAGIC TELANGIECTASIA-RELATED. Identifiers: MedGen C1832529.

Submissions (8):

ClinGen Hereditary Hemorrhagic Telangiectasia Variant Curation Expert Panel, ClinGen
Classification: Pathogenic for Telangiectasia, hereditary hemorrhagic, type 2. Last evaluated: 2024-03-15. Review status: reviewed by expert panel. Criteria: ClinGen HHT ACMG Specifications ACVRL1 V1.1.0. Collection method: curation. Allele origin: germline. Inheritance: Autosomal dominant inheritance.
Comment: The NM_000020.3: c.1468C>T (p.Gln490Ter) variant in ACVRL1 is a nonsense variant that may cause a premature stop codon that is predicted to escape nonsense medicated decay, however it is a truncation of a functionally important region (removes amino acids 490-503) in a gene where loss-of-function is an established disease mechanism (PVS1_Strong; PMID: 15879500, 16829353, 20301525). This variant is absent from gnomAD v2.1.1 (PM2_Supporting). This variant has been reported in >4 probands with a phenotype consistent with HHT (PS4; PMID: 16829353, 16540754, 32573726, 11484689, Internal lab contributors). The variant has been reported to segregate with HHT in several affected family members from two large families (PP1_Strong; PMID: 16829353, 11484689). In summary, this variant meets the criteria to be classified as pathogenic for autosomal dominant hereditary hemorrhagic telangiectasia based on the ACMG/AMP criteria applied, as specified by the ClinGen Hereditary Hemorrhagic Telangiectasia Variant Curation Expert Panel: PVS1_Strong, PM2_Supporting, PS4, PP1_Strong (specification version 1.0.0; 1/4/2024).

Genomic Medicine Center of Excellence, King Faisal Specialist Hospital and Research Centre
Classification: Pathogenic for Hereditary factor VIII deficiency disease. Last evaluated: 2024-12-17. Review status: criteria provided, single submitter. Criteria: ACMG Guidelines, 2015. Collection method: clinical testing. Allele origin: germline. Not counted in ClinVar's aggregate classification.

Labcorp Genetics (formerly Invitae), Labcorp
Classification: Pathogenic for Telangiectasia, hereditary hemorrhagic, type 2. Last evaluated: 2024-10-24. Review status: criteria provided, single submitter. Criteria: Invitae Variant Classification Sherloc (09022015). Collection method: clinical testing. Allele origin: germline. Not counted in ClinVar's aggregate classification.
Comment: This sequence change creates a premature translational stop signal (p.Gln490*) in the ACVRL1 gene. While this is not anticipated to result in nonsense mediated decay, it is expected to disrupt the last 14 amino acid(s) of the ACVRL1 protein. This variant is not present in population databases (gnomAD no frequency). This premature translational stop signal has been observed in individual(s) with ACVRL1-related conditions (PMID: 11484689, 16429404, 24603890). It has also been observed to segregate with disease in related individuals. ClinVar contains an entry for this variant (Variation ID: 426040). Algorithms developed to predict the effect of sequence changes on RNA splicing suggest that this variant may disrupt the consensus splice site. For these reasons, this variant has been classified as Pathogenic.

Molecular Genetics, Royal Melbourne Hospital
Classification: Pathogenic for Hereditary hemorrhagic telangiectasia. Last evaluated: 2024-05-02. Review status: criteria provided, single submitter. Criteria: ACMG Guidelines, 2015. Collection method: clinical testing. Allele origin: germline. Inheritance: Autosomal dominant inheritance. Affected: yes. Not counted in ClinVar's aggregate classification.
Comment: This sequence change in ACVRL1 is a nonsense variant that may cause a premature stop codon, p.(Gln490*), that is predicted to escape nonsense-mediated decay and remove <10% of the protein, however, it is a truncation of a functionally important region (removes amino acids 490-503) in a gene where loss-of-function is an established disease mechanism (PMID: 11062473, 8640225, 15879500). This variant is absent from the population database gnomAD v4.1. This variant has been reported in multiple individuals with a clinical diagnosis of hereditary haemorrhagic telangiectasia and cosegregates with the disease in multiple families (PMID: 11484689, 16429404, 16829353, 20056902, 25892364, 32573726). Based on the classification scheme RMH Modified ACMG/AMP Guidelines v1.6.1, this variant is classified as PATHOGENIC. Following criteria are met: PVS1_Strong, PS4, PP1_Strong, PM2_Supporting.

Mayo Clinic Laboratories, Mayo Clinic
Classification: Pathogenic. Last evaluated: 2023-02-28. Review status: criteria provided, single submitter. Criteria: ACMG Guidelines, 2015. Collection method: clinical testing. Allele origin: germline. Observed: 1 variant allele. Not counted in ClinVar's aggregate classification.
Comment: PP1_strong, PM2_supporting, PS4, PVS1_moderate

Ambry Genetics
Classification: Pathogenic for Cardiovascular phenotype. Last evaluated: 2021-12-16. Review status: criteria provided, single submitter. Criteria: Ambry Variant Classification Scheme 2023. Collection method: clinical testing. Allele origin: germline. Not counted in ClinVar's aggregate classification.
Comment: The p.Q490* pathogenic mutation (also known as c.1468C>T), located in coding exon 9 of the ACVRL1 gene, results from a C to T substitution at nucleotide position 1468. This changes the amino acid from a glutamine to a stop codon within coding exon 9. This alteration occurs at the 3' terminus of theACVRL1 gene, is not expected to trigger nonsense-mediated mRNA decay, and impacts the last 2.8% of the protein. However, premature stop codons are typically deleterious in nature and a significant portion of the protein is affected (Ambry internal data). This alteration has been reported in individuals with a clinical diagnosis of hereditary hemorrhagic telangiectasia (HHT), as well as in individuals with concerns for HHT (El-Harith et al. Eur J Med Genet 2006 Oct;49:323-30; Lenato GM et al. Hum Mutat, 2006 Feb;27:213-4; Olivieri C et al. Genet Med, 2006 Mar;8:183-90; T&oslash;rring PM et al. Clin Genet, 2014 Aug;86:123-33). Additionally, this alteration segregated with disease in one family (Trembath RC et al. N. Engl. J. Med., 2001 Aug;345:325-34). This variant is considered to be rare based on population cohorts in the Genome Aggregation Database (gnomAD). Based on the supporting evidence, this alteration is interpreted as a disease-causing mutation.

NIHR Bioresource Rare Diseases, University of Cambridge
Classification: Pathogenic for Telangiectasia, hereditary hemorrhagic, type 2. Last evaluated: 2018-01-01. Review status: criteria provided, single submitter. Criteria: ACMG Guidelines, 2015. Collection method: research. Allele origin: unknown. Affected: yes. Observed: 1 variant allele. Not counted in ClinVar's aggregate classification.
Comment: PVS1+PM2+PP4

Rare Disease Genomics Group, St George's University of London
Classification: Pathogenic for Pulmonary arterial hypertension related to hereditary hemorrhagic telangiectasia. Review status: no assertion criteria provided. Collection method: literature only. Allele origin: germline. Affected: yes. Not counted in ClinVar's aggregate classification.

Literature cited by the submitters: PubMed 11484689 (cited by 5 submitters); PubMed 16429404 (cited by 4 submitters); PubMed 24603890 (cited by 3 submitters); PubMed 8640225 (cited by Molecular Genetics, Royal Melbourne Hospital); PubMed 11062473 (cited by Molecular Genetics, Royal Melbourne Hospital); PubMed 15879500 (cited by Molecular Genetics, Royal Melbourne Hospital); PubMed 16829353 (cited by 3 submitters); PubMed 20056902 (cited by 3 submitters); PubMed 25892364 (cited by Molecular Genetics, Royal Melbourne Hospital); PubMed 32573726 (cited by 3 submitters); PubMed 24001356 (cited by Mayo Clinic Laboratories, Mayo Clinic and Ambry Genetics); PubMed 16540754 (cited by Ambry Genetics).